The following is an entry in ClinVar:

NM_013275.6(ANKRD11):c.4355delinsTAG (p.Ala1452fs)

Gene: ANKRD11 (ankyrin repeat domain 11; minus strand). Cytogenetic location: 16q24.3.
Variant type: Indel.
Coding change: c.4355delinsTAG on transcript NM_013275.6 (MANE Select); coding-DNA position 4355, C replaced by TAG.
Protein change: p.Ala1452fs; shifts the reading frame from alanine 1452.
Molecular consequence: frameshift variant.
Genome position (GRCh38, 1-based): chr16:89,282,187, G replaced by CTA on the plus strand (C replaced by TAG on the coding strand, the reverse complement: ANKRD11 is on the minus strand). VCF-style: chr16-89282187-G-CTA. GRCh37 (hg19) VCF-style: chr16-89348595-G-CTA.
Other names: c.4355delinsTAG, p.Ala1452fs (NM_001256182.2, NM_001256183.2); short protein forms A1452fs.
Identifiers: ClinVar variation 4855793 (VCV004855793.1).

ClinVar aggregate classification (germline): Likely pathogenic (1 of 4 stars; one submission).

Conditions:
KBG syndrome (KBGS). Also called: ANKRD11-Related KBG Syndrome. Identifiers: Orphanet 2332, MedGen C0220687, MONDO:0007846, OMIM 148050.

Submission:

3billion
Classification: Likely pathogenic for KBG syndrome. Last evaluated: 2025-10-29. Review status: criteria provided, single submitter. Criteria: ACMG Guidelines, 2015. Collection method: clinical testing. Allele origin: germline. Affected: yes.
Comment: The variant is not observed in the gnomAD v4.1.0 dataset. Predicted Consequence/Location: Frameshift: predicted to result in a loss or disruption of normal protein function through nonsense-mediated decay (NMD) or protein truncation. Multiple pathogenic variants are reported downstream of the variant. Therefore, this variant is classified as Likely pathogenic according to the recommendation of ACMG/AMP guideline.